The following is an entry in ClinVar:

ClinVar aggregate classification (germline): Uncertain significance (1 of 4 stars; one submission).

Conditions:
Charcot-Marie-Tooth disease axonal type 2O. Also called: Charcot-Marie-Tooth disease, axonal, type 20; CHARCOT-MARIE-TOOTH NEUROPATHY, AXONAL, TYPE 2O; CHARCOT-MARIE-TOOTH DISEASE, AXONAL, AUTOSOMAL DOMINANT, TYPE 2O; Charcot-Marie-Tooth Neuropathy Type 2O. Identifiers: Orphanet 284232, MedGen C3280220, MONDO:0013644, OMIM 614228.

Submission:

Labcorp Genetics (formerly Invitae), Labcorp
Classification: Uncertain significance for Charcot-Marie-Tooth disease axonal type 2O. Last evaluated: 2022-07-19. Review status: criteria provided, single submitter. Criteria: Invitae Variant Classification Sherloc (09022015). Collection method: clinical testing. Allele origin: germline.
Comment: Advanced modeling of protein sequence and biophysical properties (such as structural, functional, and spatial information, amino acid conservation, physicochemical variation, residue mobility, and thermodynamic stability) performed at Invitae indicates that this missense variant is expected to disrupt DYNC1H1 protein function. In summary, the available evidence is currently insufficient to determine the role of this variant in disease. Therefore, it has been classified as a Variant of Uncertain Significance. ClinVar contains an entry for this variant (Variation ID: 1377013). This variant has not been reported in the literature in individuals affected with DYNC1H1-related conditions. This variant is not present in population databases (gnomAD no frequency). This sequence change replaces aspartic acid, which is acidic and polar, with valine, which is neutral and non-polar, at codon 570 of the DYNC1H1 protein (p.Asp570Val).

NM_001376.5(DYNC1H1):c.1709A>T (p.Asp570Val)

Gene: DYNC1H1 (dynein cytoplasmic 1 heavy chain 1; plus strand). Cytogenetic location: 14q32.31.
Variant type: single nucleotide variant.
Coding change: c.1709A>T on transcript NM_001376.5 (MANE Select); coding-DNA position 1709, A replaced by T.
Protein change: p.Asp570Val; replaces aspartic acid 570 with valine.
Molecular consequence: missense variant.
Genome position (GRCh38, 1-based): chr14:101,985,934, A>T. VCF-style: chr14-101985934-A-T. GRCh37 (hg19) VCF-style: chr14-102452271-A-T.
Other names: short protein forms D570V.
Identifiers: ClinVar variation 1377013 (VCV001377013.6), dbSNP rs2141274653, ClinGen allele CA391019072.